The following is an entry in ClinVar:

NM_000231.3(SGCG):c.345G>A (p.Ala115=)

Gene: SGCG (sarcoglycan gamma; plus strand). Cytogenetic location: 13q12.12.
Variant type: single nucleotide variant.
Coding change: c.345G>A on transcript NM_000231.3 (MANE Select); coding-DNA position 345, G replaced by A.
Protein change: p.Ala115=; no amino-acid change (alanine 115 retained).
Molecular consequence: synonymous variant.
Genome position (GRCh38, 1-based): chr13:23,250,677, G>A. VCF-style: chr13-23250677-G-A. GRCh37 (hg19) VCF-style: chr13-23824816-G-A.
Other names: c.399G>A, p.Ala133= (NM_001378244.1); c.345G>A, p.Ala115= (NM_001378245.1, NM_001378246.1); c.345G>A (NM_000231.2).
Identifiers: ClinVar variation 1138291 (VCV001138291.12), dbSNP rs1800352, ClinGen allele CA6909650.

ClinVar aggregate classification (germline): Likely benign. Review status: criteria provided, multiple submitters, no conflicts (2 of 4 stars). 3 submissions from 3 submitters: Likely benign (2). 1 of the submissions does not count toward it. Last evaluated 2026-01-09.

Conditions:
SGCG-related disorder. Also called: SGCG-related condition.
Autosomal recessive limb-girdle muscular dystrophy type 2C (LGMDR5). Also called: MUSCULAR DYSTROPHY, DUCHENNE-LIKE; MUSCULAR DYSTROPHY, LIMB-GIRDLE, AUTOSOMAL RECESSIVE 5. Identifiers: Orphanet 353, MedGen C0410173, MONDO:0009677, OMIM 253700. Disease mechanism: Affects gamma-sarcoglycan and also disrupts the integrity of the entire sarcoglycan complex..

Allele frequency attached by ClinVar (database versions not stated): gnomAD 0.00003; gnomAD exomes 0.00005; ExAC 0.00007; TOPMed 0.00007; ESP Exome Variant Server 0.00023.
gnomAD v4.1: 80 of 1,612,982 alleles (0.005%); highest among the groups gnomAD compares: Middle Eastern, 0.049%; no homozygotes.

Submissions (3):

Labcorp Genetics (formerly Invitae), Labcorp
Classification: Likely benign for Autosomal recessive limb-girdle muscular dystrophy type 2C. Last evaluated: 2026-01-09. Review status: criteria provided, single submitter. Criteria: Invitae Variant Classification Sherloc (09022015). Collection method: clinical testing. Allele origin: germline.

Blueprint Genetics
Classification: Likely benign. Last evaluated: 2024-07-01. Review status: criteria provided, single submitter. Criteria: ACMG Guidelines, 2015. Collection method: clinical testing. Allele origin: germline.

PreventionGenetics, part of Exact Sciences
Classification: Likely benign for SGCG-related condition. Last evaluated: 2019-08-19. Review status: no assertion criteria provided. Collection method: clinical testing. Allele origin: germline. Not counted in ClinVar's aggregate classification.
Comment: This variant is classified as likely benign based on ACMG/AMP sequence variant interpretation guidelines (Richards et al. 2015 PMID: 25741868, with internal and published modifications).